The following is an entry in ClinVar:

NM_024642.5(GALNT12):c.127G>T (p.Ala43Ser)

Gene: GALNT12 (polypeptide N-acetylgalactosaminyltransferase 12; plus strand). Cytogenetic location: 9q22.33.
Variant type: single nucleotide variant.
Coding change: c.127G>T on transcript NM_024642.5 (MANE Select); coding-DNA position 127, G replaced by T.
Protein change: p.Ala43Ser; replaces alanine 43 with serine.
Molecular consequence: missense variant.
Genome position (GRCh38, 1-based): chr9:98,807,825, G>T. VCF-style: chr9-98807825-G-T. GRCh37 (hg19) VCF-style: chr9-101570107-G-T.
Other names: short protein forms A43S.
Identifiers: ClinVar variation 1767668 (VCV001767668.3), dbSNP rs2118256072, ClinGen allele CA374222346.

ClinVar aggregate classification (germline): Uncertain significance (1 of 4 stars; one submission).

Submission:

Ambry Genetics
Classification: Uncertain significance. Last evaluated: 2025-12-20. Review status: criteria provided, single submitter. Criteria: Ambry Variant Classification Scheme 2023. Collection method: clinical testing. Allele origin: germline.
Comment: The p.A43S variant (also known as c.127G>T), located in coding exon 1 of the GALNT12 gene, results from a G to T substitution at nucleotide position 127. The alanine at codon 43 is replaced by serine, an amino acid with similar properties. This amino acid position is conserved. In addition, this alteration is predicted to be tolerated by in silico analysis. Since supporting evidence is limited at this time, the clinical significance of this alteration remains unclear.